The following is an entry in ClinVar:

NM_174936.4(PCSK9):c.1048A>T (p.Thr350Ser)

Gene: PCSK9 (proprotein convertase subtilisin/kexin type 9; plus strand). Cytogenetic location: 1p32.3.
Variant type: single nucleotide variant.
Coding change: c.1048A>T on transcript NM_174936.4 (MANE Select); coding-DNA position 1048, A replaced by T.
Protein change: p.Thr350Ser; replaces threonine 350 with serine.
Molecular consequence: missense variant. On other transcripts: non-coding transcript variant (7).
Genome position (GRCh38, 1-based): chr1:55,057,382, A>T. VCF-style: chr1-55057382-A-T. GRCh37 (hg19) VCF-style: chr1-55523055-A-T.
Other names: c.991A>T, p.Thr331Ser (NM_001407243.1); c.1048A>T, p.Thr350Ser (NM_001407244.1, NM_001407247.1, NM_001407241.1); c.856A>T, p.Thr286Ser (NM_001407245.1); c.673A>T, p.Thr225Ser (NM_001407246.1); c.1171A>T, p.Thr391Ser (NM_001407240.1); c.1051A>T, p.Thr351Ser (NM_001407242.1); short protein forms T225S, T286S, T331S, T350S, T351S, T391S.
Identifiers: ClinVar variation 3075102 (VCV003075102.1), dbSNP rs1459602819, ClinGen allele CA340476456.

ClinVar aggregate classification (germline): Uncertain significance (1 of 4 stars; one submission).

Conditions:
Hypercholesterolemia, autosomal dominant, 3 (FHCL3). Also called: Familial Hypercholesterolemia, Autosomal Dominant, 3; PCSK9-Related Familial Hypercholesterolemia, Autosomal Dominant; Familial hypercholesterolemia 3. Identifiers: MedGen C1863551, MONDO:0011369, OMIM 603776.

Submission:

All of Us Research Program, National Institutes of Health
Classification: Uncertain significance for Hypercholesterolemia, autosomal dominant, 3. Last evaluated: 2023-12-18. Review status: criteria provided, single submitter. Criteria: ACMG Guidelines, 2015. Collection method: clinical testing. Allele origin: germline. Inheritance: Autosomal dominant inheritance. Observed: 1 variant allele, 1 heterozygote.
Comment: This missense variant replaces threonine with serine at codon 350 of the PCSK9 protein. Computational prediction suggests that this variant may not impact protein structure and function (internally defined REVEL score threshold <= 0.5, PMID: 27666373). To our knowledge, functional studies have not been reported for this variant. This variant has not been reported in individuals affected with PCSK9-related disorders in the literature. This variant has not been identified in the general population by the Genome Aggregation Database (gnomAD). The available evidence is insufficient to determine the role of this variant in disease conclusively. Therefore, this variant is classified as a Variant of Uncertain Significance.

This study involves interpretation of variants in research participants for the purpose of population health screening. Participant phenotype was not available at the time of variant classification. Additional details can be found in publication PMID: 35346344, PMCID: PMC8962531